The following is an entry in ClinVar:

NM_004380.3(CREBBP):c.3946G>A (p.Gly1316Ser)

Gene: CREBBP (CREB binding lysine acetyltransferase; minus strand). Cytogenetic location: 16p13.3.
Variant type: single nucleotide variant.
Coding change: c.3946G>A on transcript NM_004380.3 (MANE Select); coding-DNA position 3946, G replaced by A.
Protein change: p.Gly1316Ser; replaces glycine 1316 with serine.
Molecular consequence: missense variant.
Genome position (GRCh38, 1-based): chr16:3,744,930, C>T on the plus strand (G>A on the coding strand, the complement: CREBBP is on the minus strand). VCF-style: chr16-3744930-C-T. GRCh37 (hg19) VCF-style: chr16-3794931-C-T.
Other names: c.3946G>A (NM_004380.2); c.3832G>A, p.Gly1278Ser (NM_001079846.1); short protein forms G1278S, G1316S.
Identifiers: ClinVar variation 2729191 (VCV002729191.4), dbSNP rs776643295, ClinGen allele CA7869655.

ClinVar aggregate classification (germline): Likely benign. Review status: criteria provided, multiple submitters, no conflicts (2 of 4 stars). 2 submissions from 2 submitters: Likely benign (2). Last evaluated 2023-12-11.

Conditions:
Rubinstein-Taybi syndrome (RSTS). Identifiers: Orphanet 783, MedGen C0035934, MONDO:0019188.
Rubinstein-Taybi syndrome due to CREBBP mutations (RSTS1). Also called: CREBBP-Related Rubinstein-Taybi Syndrome; RUBINSTEIN-TAYBI SYNDROME 1, INCOMPLETE; BROAD THUMB-HALLUX SYNDROME; Rubinstein-Taybi syndrome 1; RUBINSTEIN SYNDROME; BROAD THUMBS AND GREAT TOES, CHARACTERISTIC FACIES, AND IMPAIRED INTELLECTUAL DEVELOPMENT. Identifiers: Orphanet 353277, Orphanet 783, MedGen C4551859, MONDO:0008393, OMIM 180849.

Allele frequency attached by ClinVar (database versions not stated): ExAC 0.00001.
gnomAD v4.1: 1 of 1,614,044 alleles (0.000062%); highest among the groups gnomAD compares: Middle Eastern, 0.016%; no homozygotes.

Submissions (2):

Labcorp Genetics (formerly Invitae), Labcorp
Classification: Likely benign for Rubinstein-Taybi syndrome. Last evaluated: 2023-12-11. Review status: criteria provided, single submitter. Criteria: Invitae Variant Classification Sherloc (09022015). Collection method: clinical testing. Allele origin: germline.

Victorian Clinical Genetics Services, Murdoch Childrens Research Institute
Classification: Likely benign for Rubinstein-Taybi syndrome due to CREBBP mutations. Last evaluated: 2023-07-17. Review status: criteria provided, single submitter. Criteria: ACMG Guidelines, 2015. Collection method: clinical testing. Allele origin: germline. Inheritance: Autosomal dominant inheritance. Affected: yes.
Comment: Based on the classification scheme VCGS_Germline_v1.3.4, this variant is classified as likely benign. Following criteria are met: 0102 - Loss of function is a known mechanism of disease in this gene and is associated with Menke-Hennekam syndrome 1 (MIM#618332) and Rubinstein-Taybi syndrome 1 (MIM#180849). (I) 0107 - This gene is associated with autosomal dominant disease. (I) 0200 - Variant is predicted to result in a missense amino acid change from glycine to serine. (I) 0251 - This variant is heterozygous. (I) 0302 - Variant is present in gnomAD (v2) <0.001 for a dominant condition (1 heterozygote, 0 homozygotes). (SP) 0502 - Missense variant with conflicting in silico predictions and uninformative conservation. (I) 0604 - Variant is not located in an established domain, motif, hotspot or informative constraint region. (I) 0705 - No comparable missense variants have previous evidence for pathogenicity. (I) 0807 - This variant has no previous evidence of pathogenicity. (I) 0905 - No published segregation evidence has been identified for this variant. (I) 1007 - No published functional evidence has been identified for this variant. (I) Legend: (SP) - Supporting pathogenic, (I) - Information, (SB) - Supporting benign